The following is an entry in ClinVar:

NM_001282933.2(ZNF341):c.172T>G (p.Cys58Gly)

Gene: ZNF341 (zinc finger protein 341; plus strand). Cytogenetic location: 20q11.22.
Variant type: single nucleotide variant.
Coding change: c.172T>G on transcript NM_001282933.2 (MANE Select); coding-DNA position 172, T replaced by G.
Protein change: p.Cys58Gly; replaces cysteine 58 with glycine.
Molecular consequence: missense variant. On other transcripts: non-coding transcript variant (1), intron variant (1).
Genome position (GRCh38, 1-based): chr20:33,745,132, T>G. VCF-style: chr20-33745132-T-G. GRCh37 (hg19) VCF-style: chr20-32332938-T-G.
Other names: c.172T>G, p.Cys58Gly (NM_032819.5); c.70-3791T>G (NM_001282935.2); short protein forms C58G.
Identifiers: ClinVar variation 1524915 (VCV001524915.6), dbSNP rs2122645010, ClinGen allele CA408644641.
Genomic context (GRCh38, chr20:33,745,132, plus strand): 5'-TCTTCCCACTACTCTGCGGGTATGACCCCAGATGACGAGGATGTATTTCTCTGCGGGAAG[T>G]GTAAGAAGCAATTCAACTCGCTGCCAGCGTTTATGACCCACAAGCGGGAACAGTGCCAGG-3'
Protein context (NP_001269862.1, residues 48-68): DDEDVFLCGK[Cys58Gly]KKQFNSLPAF

ClinVar aggregate classification (germline): Uncertain significance (1 of 4 stars; one submission).

Submission:

Labcorp Genetics (formerly Invitae), Labcorp
Classification: Uncertain significance. Last evaluated: 2021-09-19. Review status: criteria provided, single submitter. Criteria: Invitae Variant Classification Sherloc (09022015). Collection method: clinical testing. Allele origin: germline.
Comment: Algorithms developed to predict the effect of sequence changes on RNA splicing suggest that this variant may create or strengthen a splice site. This sequence change replaces cysteine with glycine at codon 58 of the ZNF341 protein (p.Cys58Gly). The cysteine residue is highly conserved and there is a large physicochemical difference between cysteine and glycine. This variant is not present in population databases (ExAC no frequency). This variant has not been reported in the literature in individuals affected with ZNF341-related conditions. Algorithms developed to predict the effect of missense changes on protein structure and function (SIFT, PolyPhen-2, Align-GVGD) all suggest that this variant is likely to be disruptive. In summary, the available evidence is currently insufficient to determine the role of this variant in disease. Therefore, it has been classified as a Variant of Uncertain Significance.